The following is an entry in ClinVar:

ClinVar aggregate classification (germline): Likely pathogenic (1 of 4 stars; one submission).

Conditions:
CECR2-related neurodevelopmental disorder.

Submission:

Center for Statistical Genetics, Columbia University
Classification: Likely pathogenic for CECR2-related neurodevelopmental disorder. Last evaluated: 2025-07-28. Review status: criteria provided, single submitter. Criteria: ACMG Guidelines, 2015. Collection method: clinical testing. Allele origin: germline. Affected: yes.
Comment: Heterozygous variant of unknown inheritance. Parents samples were not submitted for testing

NM_001290047.2(CECR2):c.1819C>T (p.Arg607Ter)

Gene: CECR2 (CECR2 histone acetyl-lysine reader; plus strand). Cytogenetic location: 22q11.21.
Variant type: single nucleotide variant.
Coding change: c.1819C>T on transcript NM_001290047.2 (MANE Select); coding-DNA position 1819, C replaced by T.
Protein change: p.Arg607Ter; replaces arginine 607 with a stop codon.
Molecular consequence: nonsense.
Genome position (GRCh38, 1-based): chr22:17,540,735, C>T. VCF-style: chr22-17540735-C-T. GRCh37 (hg19) VCF-style: chr22-18020424-C-T.
Other names: p.(Arg607*); c.1330C>T, p.Arg444Ter (NM_001290046.2); short protein forms R444*, R607*.
Identifiers: ClinVar variation 4073551 (VCV004073551.1).